The following is an entry in ClinVar:

NM_000059.4(BRCA2):c.5301A>G (p.Lys1767=)

Gene: BRCA2 (BRCA2 DNA repair associated; plus strand). Cytogenetic location: 13q13.1.
Variant type: single nucleotide variant.
Coding change: c.5301A>G on transcript NM_000059.4 (MANE Select); coding-DNA position 5301, A replaced by G.
Protein change: p.Lys1767=; no amino-acid change (lysine 1767 retained).
Molecular consequence: synonymous variant.
Genome position (GRCh38, 1-based): chr13:32,339,656, A>G. VCF-style: chr13-32339656-A-G. GRCh37 (hg19) VCF-style: chr13-32913793-A-G.
Identifiers: ClinVar variation 495471 (VCV000495471.19), dbSNP rs1555284161, ClinGen allele CA483438587.
Genomic context (GRCh38, chr13:32,339,656, plus strand): 5'-CAGCTATTCCTACCATTCTGATGAGGTATATAATGATTCAGGATATCTCTCAAAAAATAA[A>G]CTTGATTCTGGTATTGAGCCAGTATTGAAGAATGTTGAAGATCAAAAAAACACTAGTTTT-3'
Protein context (NP_000050.3, residues 1757-1777): YNDSGYLSKN[Lys1767=]LDSGIEPVLK

ClinVar aggregate classification (germline): Conflicting classifications of pathogenicity. Review status: criteria provided, conflicting classifications (1 of 4 stars). 5 submissions from 5 submitters: Uncertain significance (1); Likely benign (4). Last evaluated 2024-11-24.

Conditions:
Hereditary cancer-predisposing syndrome. Also called: Hereditary neoplastic syndrome; Tumor predisposition; Hereditary Cancer Syndrome; Neoplastic Syndromes, Hereditary. Identifiers: Orphanet 140162, MedGen C0027672, MeSH D009386, MONDO:0015356.
Hereditary breast ovarian cancer syndrome. Also called: Hereditary breast and/or ovarian cancer syndrome; BRCA1- and BRCA2-Associated Hereditary Breast and Ovarian Cancer; Breast and ovarian cancer; Hereditary breast and ovarian cancer; Hereditary breast and ovarian cancer syndrome; Hereditary breast and ovarian cancer syndrome (HBOC). Identifiers: Orphanet 145, MedGen C0677776, MeSH D061325, MONDO:0003582. Disease mechanism: loss of function.

Allele frequency attached by ClinVar (database versions not stated): gnomAD exomes below 0.00001.
gnomAD v4.1: 2 of 1,612,686 alleles (0.00012%); highest among the groups gnomAD compares: Non-Finnish European, 0.00017%; no homozygotes.

Submissions (5):

Quest Diagnostics Nichols Institute San Juan Capistrano
Classification: Uncertain significance. Last evaluated: 2024-11-24. Review status: criteria provided, single submitter. Criteria: Quest Diagnostics criteria. Collection method: clinical testing. Allele origin: unknown.
Comment: The BRCA2 c.5301A>G (p.Lys1767=) synonymous variant has not been reported in individuals with BRCA2-related conditions in the published literature. It also has not been reported in large, multi-ethnic general populations (Genome Aggregation Database). Analysis of this variant using software algorithms for the prediction of the effect of nucleotide changes on splicing yielded predictions that this variant does not affect BRCA2 mRNA splicing. Based on the available information, we are unable to determine the clinical significance of this variant.

Labcorp Genetics (formerly Invitae), Labcorp
Classification: Likely benign for Hereditary breast ovarian cancer syndrome. Last evaluated: 2022-07-19. Review status: criteria provided, single submitter. Criteria: Invitae Variant Classification Sherloc (09022015). Collection method: clinical testing. Allele origin: germline.

Sema4
Classification: Likely benign for Hereditary cancer-predisposing syndrome. Last evaluated: 2021-07-12. Review status: criteria provided, single submitter. Criteria: Sema4 Curation Guidelines. Collection method: curation. Allele origin: germline.

Women's Health and Genetics/Laboratory Corporation of America, LabCorp
Classification: Likely benign. Last evaluated: 2019-08-21. Review status: criteria provided, single submitter. Criteria: LabCorp Variant Classification Summary - May 2015. Collection method: clinical testing. Allele origin: germline.

Ambry Genetics
Classification: Likely benign for Hereditary cancer-predisposing syndrome. Last evaluated: 2019-06-09. Review status: criteria provided, single submitter. Criteria: Ambry Variant Classification Scheme 2023. Collection method: clinical testing. Allele origin: germline.